The following is an entry in ClinVar:

NM_014264.5(PLK4):c.2593A>G (p.Thr865Ala)

Gene: PLK4 (polo like kinase 4; plus strand). Cytogenetic location: 4q28.1.
Variant type: single nucleotide variant.
Coding change: c.2593A>G on transcript NM_014264.5 (MANE Select); coding-DNA position 2593, A replaced by G.
Protein change: p.Thr865Ala; replaces threonine 865 with alanine.
Molecular consequence: missense variant.
Genome position (GRCh38, 1-based): chr4:127,894,983, A>G. VCF-style: chr4-127894983-A-G. GRCh37 (hg19) VCF-style: chr4-128816138-A-G.
Other names: c.2593A>G (NM_014264.4); c.2497A>G, p.Thr833Ala (NM_001190799.2); c.2470A>G, p.Thr824Ala (NM_001190801.2); short protein forms T824A, T833A, T865A.
Identifiers: ClinVar variation 1014967 (VCV001014967.6), dbSNP rs113867661, ClinGen allele CA3077104.

ClinVar aggregate classification (germline): Conflicting classifications of pathogenicity. Review status: criteria provided, conflicting classifications (1 of 4 stars). 3 submissions from 3 submitters: Uncertain significance (1); Likely benign (2). Last evaluated 2025-02-03.

Conditions:
Inborn genetic diseases. Identifiers: MedGen C0950123, MeSH D030342.

Allele frequency attached by ClinVar (database versions not stated): gnomAD exomes 0.00005 and 0.00008; ExAC 0.00011; 1000 Genomes Project 30x 0.00031; 1000 Genomes Project 0.00040; gnomAD 0.00048 and 0.00049; TOPMed 0.00053; ESP Exome Variant Server 0.00069.
gnomAD v4.1: 155 of 1,605,908 alleles (0.0097%); highest among the groups gnomAD compares: African/African-American, 0.16%; no homozygotes.

Submissions (3):

Labcorp Genetics (formerly Invitae), Labcorp
Classification: Uncertain significance. Last evaluated: 2025-02-03. Review status: criteria provided, single submitter. Criteria: Invitae Variant Classification Sherloc (09022015). Collection method: clinical testing. Allele origin: germline.
Comment: This sequence change replaces threonine, which is neutral and polar, with alanine, which is neutral and non-polar, at codon 865 of the PLK4 protein (p.Thr865Ala). This variant is present in population databases (rs113867661, gnomAD 0.1%). This variant has not been reported in the literature in individuals affected with PLK4-related conditions. ClinVar contains an entry for this variant (Variation ID: 1014967). An algorithm developed to predict the effect of missense changes on protein structure and function outputs the following: PolyPhen-2: "Benign". The alanine amino acid residue is found in multiple mammalian species, which suggests that this missense change does not adversely affect protein function. In summary, the available evidence is currently insufficient to determine the role of this variant in disease. Therefore, it has been classified as a Variant of Uncertain Significance.

Blueprint Genetics
Classification: Likely benign. Last evaluated: 2022-11-09. Review status: criteria provided, single submitter. Criteria: ACMG Guidelines, 2015. Collection method: clinical testing. Allele origin: germline.

Ambry Genetics
Classification: Likely benign for Inborn genetic diseases. Last evaluated: 2022-07-26. Review status: criteria provided, single submitter. Criteria: Ambry Variant Classification Scheme 2023. Collection method: clinical testing. Allele origin: germline.